The following is an entry in ClinVar:

ClinVar aggregate classification (germline): Pathogenic (1 of 4 stars; one submission).

Conditions:
Neurofibromatosis, type 1 (NF1). Also called: NEUROFIBROMATOSIS, TYPE I, SOMATIC; Neurofibromatosis, type I; VON RECKLINGHAUSEN DISEASE; Peripheral type neurofibromatosis. Identifiers: Orphanet 636, MedGen C0027831, MONDO:0018975, OMIM 162200. Disease mechanism: loss of function.

Submission:

Department Of Genetics, Lifeline Super Speciality Hospital, Adoor.
Classification: Pathogenic for Neurofibromatosis, type 1. Last evaluated: 2024-11-05. Review status: criteria provided, single submitter. Criteria: ACMG/ClinGen CNV Guidelines, 2019. Collection method: clinical testing. Allele origin: germline. Inheritance: Autosomal dominant inheritance. Affected: yes. Observed: 1 variant allele, 1 heterozygote.
Comment: The variant chr17:g.(?_31094927)_(31265340_31325819)del represents ~170.61 kb heterozygous deletion on chromosome 17 involving the NF1 gene. This deletion is expected to result in haploinsufficiency of NF1 and has been independently confirmed by MLPA analysis, supporting the presence of this copy number loss. This CNV (Multi exonic deletion) leads to Loss-of-function mechanism in NF1 gene, where LoF is a well-established cause of the disease. Based on the confirmatory evidence , strong phenotype and the disease mechanism this variant is classified as pathogenic as per ACMG/ClinGen.

Literature cited by the submitters: PubMed 20301288; PubMed 20513137.

NM_001042492.3:g.(?_31094927)_(31265340_31325819)del

Gene: NF1 (neurofibromin 1; plus strand).
Variant type: Deletion.
Identifiers: ClinVar variation 4820343 (VCV004820343.1).